The following is an entry in ClinVar:

NM_152296.5(ATP1A3):c.6G>A (p.Gly2=)

Genes: ATP1A3 (ATPase Na+/K+ transporting subunit alpha 3; minus strand), LOC130064543 (ATAC-STARR-seq lymphoblastoid silent region 10681; plus strand). Cytogenetic location: 19q13.2.
Variant type: single nucleotide variant.
Coding change: c.6G>A on transcript NM_152296.5 (MANE Select); coding-DNA position 6, G replaced by A.
Protein change: p.Gly2=; no amino-acid change (glycine 2 retained).
Molecular consequence: synonymous variant.
Genome position (GRCh38, 1-based): chr19:41,994,071, C>T on the plus strand (G>A on the coding strand, the complement: ATP1A3 is on the minus strand). VCF-style: chr19-41994071-C-T. GRCh37 (hg19) VCF-style: chr19-42498223-C-T.
Other names: c.6G>A, p.Gly2= (NM_001256214.2).
Identifiers: ClinVar variation 2819467 (VCV002819467.3), dbSNP rs2514103455, ClinGen allele CA507593508.

ClinVar aggregate classification (germline): Uncertain significance (1 of 4 stars; one submission).

Conditions:
Dystonia 12 (DYT12). Also called: DYT-ATP1A3; Rapid-Onset Dystonia-Parkinsonism (RDP). Identifiers: Orphanet 71517, MedGen C1868681, MONDO:0007496, OMIM 128235.

Submission:

Labcorp Genetics (formerly Invitae), Labcorp
Classification: Uncertain significance for Dystonia 12. Last evaluated: 2022-12-08. Review status: criteria provided, single submitter. Criteria: Invitae Variant Classification Sherloc (09022015). Collection method: clinical testing. Allele origin: germline.
Comment: In summary, the available evidence is currently insufficient to determine the role of this variant in disease. Therefore, it has been classified as a Variant of Uncertain Significance. Variants that disrupt the consensus splice site are a relatively common cause of aberrant splicing (PMID: 17576681, 9536098). Algorithms developed to predict the effect of sequence changes on RNA splicing suggest that this variant may create or strengthen a splice site. This variant has not been reported in the literature in individuals affected with ATP1A3-related conditions. This variant is not present in population databases (gnomAD no frequency). This sequence change affects codon 2 of the ATP1A3 mRNA. It is a 'silent' change, meaning that it does not change the encoded amino acid sequence of the ATP1A3 protein. This variant also falls at the last nucleotide of exon 1, which is part of the consensus splice site for this exon.

Literature cited by the submitters: PubMed 17576681; PubMed 9536098.